The following is an entry in ClinVar:

NM_004064.5(CDKN1B):c.574G>A (p.Gly192Ser)

Gene: CDKN1B (cyclin dependent kinase inhibitor 1B; plus strand). Cytogenetic location: 12p13.1.
Variant type: single nucleotide variant.
Coding change: c.574G>A on transcript NM_004064.5 (MANE Select); coding-DNA position 574, G replaced by A.
Protein change: p.Gly192Ser; replaces glycine 192 with serine.
Molecular consequence: missense variant.
Genome position (GRCh38, 1-based): chr12:12,718,923, G>A. VCF-style: chr12-12718923-G-A. GRCh37 (hg19) VCF-style: chr12-12871857-G-A.
Other names: c.574G>A (NM_004064.3); short protein forms G192S.
Identifiers: ClinVar variation 3701893 (VCV003701893.3).

ClinVar aggregate classification (germline): Uncertain significance. Review status: criteria provided, multiple submitters, no conflicts (2 of 4 stars). 2 submissions from 2 submitters: Uncertain significance (2). Last evaluated 2025-08-05.

Conditions:
Hereditary cancer-predisposing syndrome. Also called: Hereditary Cancer Syndrome; Neoplastic Syndromes, Hereditary; Tumor predisposition; Hereditary neoplastic syndrome. Identifiers: Orphanet 140162, MedGen C0027672, MeSH D009386, MONDO:0015356.
Multiple endocrine neoplasia type 4. Also called: MULTIPLE ENDOCRINE NEOPLASIA, TYPE IV. Identifiers: Orphanet 276152, MedGen C1970712, MONDO:0012552, OMIM 610755.

gnomAD v4.1: 1 of 1,614,098 alleles (0.000062%); no homozygotes.

Submissions (2):

Ambry Genetics
Classification: Uncertain significance for Hereditary cancer-predisposing syndrome. Last evaluated: 2025-08-05. Review status: criteria provided, single submitter. Criteria: Ambry Variant Classification Scheme 2023. Collection method: clinical testing. Allele origin: germline.
Comment: The p.G192S variant (also known as c.574G>A), located in coding exon 2 of the CDKN1B gene, results from a G to A substitution at nucleotide position 574. The glycine at codon 192 is replaced by serine, an amino acid with similar properties. This amino acid position is conserved. In addition, this alteration is predicted to be tolerated by in silico analysis. Based on the available evidence, the clinical significance of this variant remains unclear.

Labcorp Genetics (formerly Invitae), Labcorp
Classification: Uncertain significance for Multiple endocrine neoplasia type 4. Last evaluated: 2024-05-06. Review status: criteria provided, single submitter. Criteria: Invitae Variant Classification Sherloc (09022015). Collection method: clinical testing. Allele origin: germline.
Comment: This sequence change replaces glycine, which is neutral and non-polar, with serine, which is neutral and polar, at codon 192 of the CDKN1B protein (p.Gly192Ser). The frequency data for this variant in the population databases is considered unreliable, as metrics indicate poor data quality at this position in the gnomAD database. This variant has not been reported in the literature in individuals affected with CDKN1B-related conditions. Algorithms developed to predict the effect of missense changes on protein structure and function output the following: SIFT: "Not Available"; PolyPhen-2: "Benign"; Align-GVGD: "Not Available". The serine amino acid residue is found in multiple mammalian species, which suggests that this missense change does not adversely affect protein function. In summary, the available evidence is currently insufficient to determine the role of this variant in disease. Therefore, it has been classified as a Variant of Uncertain Significance.